The following is an entry in ClinVar:

ClinVar aggregate classification (germline): Uncertain significance (1 of 4 stars; one submission).

Conditions:
Erythrocytosis, familial, 3 (ECYT3). Identifiers: Orphanet 247511, MedGen C1853286, MONDO:0012353, OMIM 609820.

gnomAD v4.1: 2 of 1,468,906 alleles (0.00014%); highest among the groups gnomAD compares: Non-Finnish European, 0.00018%; no homozygotes.

Submission:

Labcorp Genetics (formerly Invitae), Labcorp
Classification: Uncertain significance for Erythrocytosis, familial, 3. Last evaluated: 2023-02-15. Review status: criteria provided, single submitter. Criteria: Invitae Variant Classification Sherloc (09022015). Collection method: clinical testing. Allele origin: germline.
Comment: This sequence change replaces serine, which is neutral and polar, with cysteine, which is neutral and slightly polar, at codon 75 of the EGLN1 protein (p.Ser75Cys). This variant is not present in population databases (gnomAD no frequency). This variant has not been reported in the literature in individuals affected with EGLN1-related conditions. An algorithm developed to predict the effect of missense changes on protein structure and function (PolyPhen-2) suggests that this variant is likely to be disruptive. In summary, the available evidence is currently insufficient to determine the role of this variant in disease. Therefore, it has been classified as a Variant of Uncertain Significance.

NM_022051.3(EGLN1):c.224C>G (p.Ser75Cys)

Gene: EGLN1 (egl-9 family hypoxia inducible factor 1; minus strand). Cytogenetic location: 1q42.2.
Variant type: single nucleotide variant.
Coding change: c.224C>G on transcript NM_022051.3 (MANE Select); coding-DNA position 224, C replaced by G.
Protein change: p.Ser75Cys; replaces serine 75 with cysteine.
Molecular consequence: missense variant.
Genome position (GRCh38, 1-based): chr1:231,421,665, G>C on the plus strand (C>G on the coding strand, the complement: EGLN1 is on the minus strand). VCF-style: chr1-231421665-G-C. GRCh37 (hg19) VCF-style: chr1-231557411-G-C.
Other names: c.224C>G, p.Ser75Cys (NM_001377260.1, NM_001377261.1); short protein forms S75C.
Identifiers: ClinVar variation 2837710 (VCV002837710.3), dbSNP rs1323197260, ClinGen allele CA345238450.